The following is an entry in ClinVar:

ClinVar aggregate classification (germline): Uncertain significance (1 of 4 stars; one submission).

Allele frequency attached by ClinVar (database versions not stated): gnomAD exomes 0.00001; ExAC 0.00002; TOPMed 0.00003.
gnomAD v4.1: 17 of 1,614,150 alleles (0.0011%); highest among the groups gnomAD compares: Middle Eastern, 0.016%; no homozygotes.

Submission:

Labcorp Genetics (formerly Invitae), Labcorp
Classification: Uncertain significance. Last evaluated: 2025-12-09. Review status: criteria provided, single submitter. Criteria: Invitae Variant Classification Sherloc (09022015). Collection method: clinical testing. Allele origin: germline.
Comment: This sequence change replaces asparagine, which is neutral and polar, with serine, which is neutral and polar, at codon 317 of the P2RY12 protein (p.Asn317Ser). This variant is present in population databases (rs754141331, gnomAD 0.02%). This variant has not been reported in the literature in individuals affected with P2RY12-related conditions. ClinVar contains an entry for this variant (Variation ID: 2413644). An algorithm developed to predict the effect of missense changes on protein structure and function outputs the following: PolyPhen-2: "Benign". The serine amino acid residue is found in multiple mammalian species, which suggests that this missense change does not adversely affect protein function. In summary, the available evidence is currently insufficient to determine the role of this variant in disease. Therefore, it has been classified as a Variant of Uncertain Significance.

NM_022788.5(P2RY12):c.950A>G (p.Asn317Ser)

Genes: MED12L (mediator complex subunit 12L; plus strand), P2RY12 (purinergic receptor P2Y12; minus strand). Cytogenetic location: 3q25.1.
Variant type: single nucleotide variant.
Coding change: c.950A>G on transcript NM_022788.5 (MANE Select); coding-DNA position 950, A replaced by G.
Protein change: p.Asn317Ser; replaces asparagine 317 with serine.
Molecular consequence: missense variant. On other transcripts: intron variant (2).
Genome position (GRCh38, 1-based): chr3:151,337,896, T>C on the plus strand (A>G on the coding strand, the complement: P2RY12 is on the minus strand). VCF-style: chr3-151337896-T-C. GRCh37 (hg19) VCF-style: chr3-151055684-T-C.
Other names: c.950A>G, p.Asn317Ser (NM_176876.3); c.2251-12163T>C (NM_001393769.1); c.2146-12163T>C (NM_053002.6); short protein forms N317S.
Identifiers: ClinVar variation 2413644 (VCV002413644.6), dbSNP rs754141331, ClinGen allele CA2667775.